The following is an entry in ClinVar:

ClinVar aggregate classification (germline): Pathogenic. Review status: criteria provided, multiple submitters, no conflicts (2 of 4 stars). 4 submissions from 4 submitters: Pathogenic (2). 2 of the submissions do not count toward it. Last evaluated 2025-12-07.

Conditions:
Pheochromocytoma/paraganglioma syndrome 4. Also called: Paragangliomas 4; CAROTID BODY TUMORS AND MULTIPLE EXTRAADRENAL PHEOCHROMOCYTOMAS; SDHB-Related Hereditary Paraganglioma-Pheochromocytoma Syndrome (Paragangliomas 4); PARAGANGLIOMA, FAMILIAL MALIGNANT; PARAGANGLIOMAS, HEREDITARY EXTRAADRENAL; PHEOCHROMOCYTOMA, FAMILIAL EXTRAADRENAL. Identifiers: Orphanet 29072, MedGen C1861848, MONDO:0007273, OMIM 115310.
Gastrointestinal stromal tumor. Also called: Gastrointestinal stromal tumor, somatic; Gastrointestinal stroma tumor. Identifiers: Orphanet 44890, MedGen C0238198, MeSH D046152, MONDO:0011719, OMIM 606764, HP:0100723.
Pheochromocytoma. Also called: MAX-Related Hereditary Paraganglioma-Pheochromocytoma Syndrome. Identifiers: Orphanet 29072, MedGen C0031511, MONDO:0008233, OMIM 171300, HP:0002666.
Hereditary cancer-predisposing syndrome. Also called: Neoplastic Syndromes, Hereditary; Tumor predisposition; Hereditary neoplastic syndrome; Hereditary Cancer Syndrome. Identifiers: Orphanet 140162, MedGen C0027672, MeSH D009386, MONDO:0015356.
SDHB-related disorder. Also called: SDHB-related condition; SDHB-related disorders. Identifiers: MedGen CN239418.

Submissions (4):

Labcorp Genetics (formerly Invitae), Labcorp
Classification: Pathogenic for Gastrointestinal stromal tumor; Pheochromocytoma/paraganglioma syndrome 4; Pheochromocytoma. Last evaluated: 2025-12-07. Review status: criteria provided, single submitter. Criteria: Invitae Variant Classification Sherloc (09022015). Collection method: clinical testing. Allele origin: germline.
Comment: This sequence change replaces arginine, which is basic and polar, with glycine, which is neutral and non-polar, at codon 46 of the SDHB protein (p.Arg46Gly). This variant is not present in population databases (gnomAD no frequency). This missense change has been observed in individuals with paraganglioma-pheochromocytoma syndrome (PMID: 14500403, 15328326, 19454582; internal data). This variant is also known as 270C>G. ClinVar contains an entry for this variant (Variation ID: 12785). Invitae Evidence Modeling of protein sequence and biophysical properties (such as structural, functional, and spatial information, amino acid conservation, physicochemical variation, residue mobility, and thermodynamic stability) indicates that this missense variant is expected to disrupt SDHB protein function with a positive predictive value of 80%. Experimental studies have shown that this missense change affects SDHB function (PMID: 25972245, 28738844). This variant disrupts the p.Arg46 amino acid residue in SDHB. Other variant(s) that disrupt this residue have been determined to be pathogenic (PMID: 12618761, 14500403, 15328326, 16314641, 17102082, 23175444). This suggests that this residue is clinically significant, and that variants that disrupt this residue are likely to be disease-causing. For these reasons, this variant has been classified as Pathogenic.

Ambry Genetics
Classification: Pathogenic for Hereditary cancer-predisposing syndrome. Last evaluated: 2025-02-27. Review status: criteria provided, single submitter. Criteria: Ambry Variant Classification Scheme 2023. Collection method: clinical testing. Allele origin: germline.
Comment: The p.R46G pathogenic mutation (also known as c.136C>G or c.270C>G), located in coding exon 2 of the SDHB gene, results from a C to G substitution at nucleotide position 136. The arginine at codon 46 is replaced by glycine, an amino acid with dissimilar properties. This alteration has been reported in several unrelated individuals diagnosed with paragangliomas and/or pheochromocytomas (Neumann HP et al. N Engl J Med. 2002 May 9;346(19):1459-66; Gimenez-Rogueplo AP et al. Cancer Res. 2003 Sep 1;63(17):5615-21; Burnichon N et al. J Clin Endocrinol Metab. 2009 Aug;94(8):2817-27). Two other alterations at the same codon, p.R46Q and p.R46L, have also been reported as germline mutations in affected individuals (Panizza E et al. Hum Mol Genet. 2013 Feb 15;22(4):804-15; Miettinen M et al. Am J Surg Pathol. 2013 Feb;37(2):234-40; Yang C et al. FASEB J. 2012 Nov;26(11):4506-16). The p.R46G substitution was associated with reduced SDH activity, and impairments in location of the enzyme to mitochondria and interaction with the SDHA subunit (Kim E et al, Endocr. Relat. Cancer 2015 Jun;22(3):387-97). This amino acid position is highly conserved in available vertebrate species. In addition, this alteration is predicted to be deleterious by in silico analysis. This variant is considered to be rare based on population cohorts in the Genome Aggregation Database (gnomAD). Based on the available evidence, this alteration is classified as a pathogenic mutation.

PreventionGenetics, part of Exact Sciences
Classification: Pathogenic for SDHB-related condition. Last evaluated: 2024-03-27. Review status: no assertion criteria provided. Collection method: clinical testing. Allele origin: germline. Not counted in ClinVar's aggregate classification.
Comment: The SDHB c.136C>G variant is predicted to result in the amino acid substitution p.Arg46Gly. This variant has been reported in multiple individuals with a history of pheochromocytoma or paraganglioma (Neumann et al. 2002. PubMed ID: 12000816; Gimenez-Roqueplo et al. 2003. PubMed ID: 14500403; Burnichon et al. 2009. PubMed ID: 19454582; Garrett et al. 2022. PubMed ID: 34906457). In vitro functional studies have demonstrated that this variant leads to reduced mitochondrial expression and a loss of enzymatic activity (Kim et al. 2015. PubMed ID: 25972245). This variant has not been reported in a large population database and is interpreted as pathogenic in ClinVar. Of note, additional missense variants at the same amino acid position (p.Arg46Gln, p.Arg46Leu) have also been shown to be functionally deleterious and reported as disease-causing in affected patients (Benn et al. 2003. PubMed ID: 12618761; Panizza et al. 2013. PubMed ID: 23175444; Kim et al. 2015. PubMed ID: 25972245; Garrett et al. 2022. PubMed ID: 34906457). Taken together, the p.Arg46Gly variant is interpreted as pathogenic.

OMIM
Classification: Pathogenic for PHEOCHROMOCYTOMA/PARAGANGLIOMA SYNDROME 4. Last evaluated: 2002-05-09. Review status: no assertion criteria provided. Collection method: literature only. Allele origin: germline. Not counted in ClinVar's aggregate classification.

Literature cited by the submitters: PubMed 14500403 (cited by Labcorp Genetics (formerly Invitae), Labcorp); PubMed 15328326 (cited by Labcorp Genetics (formerly Invitae), Labcorp); PubMed 19454582 (cited by Labcorp Genetics (formerly Invitae), Labcorp); PubMed 25972245 (cited by Labcorp Genetics (formerly Invitae), Labcorp); PubMed 28738844 (cited by Labcorp Genetics (formerly Invitae), Labcorp); PubMed 12618761 (cited by Labcorp Genetics (formerly Invitae), Labcorp); PubMed 16314641 (cited by Labcorp Genetics (formerly Invitae), Labcorp); PubMed 17102082 (cited by Labcorp Genetics (formerly Invitae), Labcorp); PubMed 23175444 (cited by Labcorp Genetics (formerly Invitae), Labcorp); PubMed 12000816 (cited by OMIM).

NM_003000.3(SDHB):c.136C>G (p.Arg46Gly)

Gene: SDHB (succinate dehydrogenase complex iron sulfur subunit B; minus strand). Cytogenetic location: 1p36.13.
Variant type: single nucleotide variant.
Coding change: c.136C>G on transcript NM_003000.3 (MANE Select); coding-DNA position 136, C replaced by G.
Protein change: p.Arg46Gly; replaces arginine 46 with glycine.
Molecular consequence: missense variant.
Genome position (GRCh38, 1-based): chr1:17,044,825, G>C on the plus strand (C>G on the coding strand, the complement: SDHB is on the minus strand). VCF-style: chr1-17044825-G-C. GRCh37 (hg19) VCF-style: chr1-17371320-G-C.
Other names: short protein forms R46G.
Identifiers: ClinVar variation 12785 (VCV000012785.16), dbSNP rs74315370, ClinGen allele CA015497.